The following is an entry in ClinVar:

NM_000439.5(PCSK1):c.1585G>A (p.Ala529Thr)

Genes: CAST (calpastatin; plus strand), PCSK1 (proprotein convertase subtilisin/kexin type 1; minus strand), LOC101929710 (uncharacterized LOC101929710; plus strand). Cytogenetic location: 5q15.
Variant type: single nucleotide variant.
Coding change: c.1585G>A on transcript NM_000439.5 (MANE Select); coding-DNA position 1585, G replaced by A.
Protein change: p.Ala529Thr; replaces alanine 529 with threonine.
Molecular consequence: missense variant. On other transcripts: intron variant (11).
Genome position (GRCh38, 1-based): chr5:96,398,882, C>T on the plus strand (G>A on the coding strand, the complement: PCSK1 is on the minus strand). VCF-style: chr5-96398882-C-T. GRCh37 (hg19) VCF-style: chr5-95734586-C-T.
Other names: c.1444G>A, p.Ala482Thr (NM_001177875.2); c.-175+19230C>T (NM_001423254.1, NM_001423259.1, NM_001423255.1 and 6 more transcripts); c.-103+19230C>T (NM_001423253.1); c.-40+19230C>T (NM_001423258.1); short protein forms A482T, A529T.
Identifiers: ClinVar variation 4991747 (VCV004991747.1).

ClinVar aggregate classification (germline): Uncertain significance (1 of 4 stars; one submission).

Conditions:
PCSK1-related disorder. Also called: PCSK1-related condition.

gnomAD v4.1: 4 of 1,612,650 alleles (0.00025%); highest among the groups gnomAD compares: African/African-American, 0.0027%; no homozygotes.

Submission:

PreventionGenetics, part of Exact Sciences
Classification: Uncertain significance for PCSK1-related condition. Last evaluated: 2025-05-15. Review status: criteria provided, single submitter. Criteria: ACMG Guidelines, 2015. Collection method: clinical testing. Allele origin: germline.
Comment: The PCSK1 c.1585G>A variant is predicted to result in the amino acid substitution p.Ala529Thr. To our knowledge, this variant has not been reported in the literature or in a large population database (gnomAD), indicating this variant is rare. At this time, the clinical significance of this variant is uncertain due to the absence of conclusive functional and genetic evidence.